The following is an entry in ClinVar:

ClinVar aggregate classification (germline): Uncertain significance (1 of 4 stars; one submission).

Allele frequency attached by ClinVar (database versions not stated): ExAC 0.00006; gnomAD exomes 0.00007 and 0.00011; gnomAD 0.00011 and 0.00013; 1000 Genomes Project 30x 0.00016; 1000 Genomes Project 0.00020.
gnomAD v4.1: 176 of 1,613,646 alleles (0.011%); highest among the groups gnomAD compares: Middle Eastern, 0.033%; no homozygotes.

Submission:

Labcorp Genetics (formerly Invitae), Labcorp
Classification: Uncertain significance. Last evaluated: 2026-01-05. Review status: criteria provided, single submitter. Criteria: Invitae Variant Classification Sherloc (09022015). Collection method: clinical testing. Allele origin: germline.
Comment: This sequence change replaces serine, which is neutral and polar, with cysteine, which is neutral and slightly polar, at codon 221 of the CLCN6 protein (p.Ser221Cys). This variant is present in population databases (rs202066883, gnomAD 0.01%). This variant has not been reported in the literature in individuals affected with CLCN6-related conditions. ClinVar contains an entry for this variant (Variation ID: 1432527). An algorithm developed to predict the effect of missense changes on protein structure and function (PolyPhen-2) suggests that this variant is likely to be disruptive. In summary, the available evidence is currently insufficient to determine the role of this variant in disease. Therefore, it has been classified as a Variant of Uncertain Significance.

NM_001286.5(CLCN6):c.662C>G (p.Ser221Cys)

Gene: CLCN6 (chloride voltage-gated channel 6; plus strand). Cytogenetic location: 1p36.22.
Variant type: single nucleotide variant.
Coding change: c.662C>G on transcript NM_001286.5 (MANE Select); coding-DNA position 662, C replaced by G.
Protein change: p.Ser221Cys; replaces serine 221 with cysteine.
Molecular consequence: missense variant. On other transcripts: non-coding transcript variant (1).
Genome position (GRCh38, 1-based): chr1:11,826,169, C>G. VCF-style: chr1-11826169-C-G. GRCh37 (hg19) VCF-style: chr1-11886226-C-G.
Other names: c.596C>G, p.Ser199Cys (NM_001256959.2); short protein forms S199C, S221C.
Identifiers: ClinVar variation 1432527 (VCV001432527.6), dbSNP rs202066883, ClinGen allele CA596184.
Genomic context (GRCh38, chr1:11,826,169, plus strand): 5'-GGTTATATGAGTAGGCTCTTTAGTGGCTCTCTTTTCTCTTGCTTTAGTTTCAGAGCATCT[C>G]CTTACGGAAGATCCAGTTTAACTTCCCCTATTTCCGAAGCGACAGGTATGGAAAGGTTAG-3'
Protein context (NP_001277.2, residues 211-231): GAGLPQFQSI[Ser221Cys]LRKIQFNFPY